The following is an entry in ClinVar:

ClinVar aggregate classification (germline): Benign. Review status: criteria provided, multiple submitters, no conflicts (2 of 4 stars). 2 submissions from 2 submitters: Benign (2). Last evaluated 2017-04-27.

Conditions:
Cataract 15 multiple types. Also called: CATARACT 15, LAMELLAR WITH SUTURAL OPACITIES. Identifiers: Orphanet 91492, MedGen C3809001, MONDO:0014110, OMIM 615274.

Allele frequency attached by ClinVar (database versions not stated): 1000 Genomes Project 30x 0.32058; TOPMed 0.35447; gnomAD 0.37529 and 0.37579; 1000 Genomes Project 0.32208.

Submissions (2):

Illumina Laboratory Services, Illumina
Classification: Benign for Cataract 15 multiple types. Last evaluated: 2017-04-27. Review status: criteria provided, single submitter. Criteria: ICSL Variant Classification Criteria 13 December 2019. Collection method: clinical testing. Allele origin: germline.
Comment: This variant was observed as part of a predisposition screen in an ostensibly healthy population. A literature search was performed for the gene, cDNA change, and amino acid change (where applicable). No publications were found based on this search. Allele frequency data from public databases was too high to be consistent with this variant causing disease. Therefore, this variant is classified as benign.

Breakthrough Genomics
Classification: Benign. Review status: criteria provided, single submitter. Criteria: ACMG Guidelines, 2015. Collection method: not provided. Allele origin: germline. Inheritance: Autosomal dominant inheritance. Affected: yes.

NM_012064.4(MIP):c.*1171C>A

Gene: MIP (major intrinsic protein of lens fiber; minus strand). Cytogenetic location: 12q13.3.
Variant type: single nucleotide variant.
Coding change: c.*1171C>A on transcript NM_012064.4 (MANE Select); 1171 bases downstream of the stop codon, C replaced by A.
Molecular consequence: 3 prime UTR variant.
Genome position (GRCh38, 1-based): chr12:56,450,109, G>T on the plus strand (C>A on the coding strand, the complement: MIP is on the minus strand). VCF-style: chr12-56450109-G-T. GRCh37 (hg19) VCF-style: chr12-56843893-G-T.
Identifiers: ClinVar variation 309866 (VCV000309866.6), dbSNP rs2371455, ClinGen allele CA10638145.